The following is an entry in ClinVar:

NM_000883.4(IMPDH1):c.1766A>G (p.His589Arg)

Gene: IMPDH1 (inosine monophosphate dehydrogenase 1; minus strand). Cytogenetic location: 7q32.1.
Variant type: single nucleotide variant.
Coding change: c.1766A>G on transcript NM_000883.4 (MANE Select); coding-DNA position 1766, A replaced by G.
Protein change: p.His589Arg; replaces histidine 589 with arginine.
Molecular consequence: missense variant.
Genome position (GRCh38, 1-based): chr7:128,394,290, T>C on the plus strand (A>G on the coding strand, the complement: IMPDH1 is on the minus strand). VCF-style: chr7-128394290-T-C. GRCh37 (hg19) VCF-style: chr7-128034344-T-C.
Other names: c.1736A>G, p.His579Arg (NM_001102605.2); c.1511A>G, p.His504Arg (NM_001142573.2); c.1496A>G, p.His499Arg (NM_001142574.2); c.1436A>G, p.His479Arg (NM_001142575.2); c.1667A>G, p.His556Arg (NM_001142576.2); c.1559A>G, p.His520Arg (NM_001304521.2); c.1658A>G, p.His553Arg (NM_183243.3); short protein forms H504R, H520R, H553R, H556R, H499R, H479R, H579R, H589R.
Identifiers: ClinVar variation 857670 (VCV000857670.10), dbSNP rs1191029159, ClinGen allele CA369161453.
Genomic context (GRCh38, chr7:128,394,290, plus strand): 5'-GCCCAACCCACTGCCTCCAAGTGACAGCAAGGAGGCCACCACACTTACGAGTGCAGGCCA[T>C]GGACACCACCCTCAATCTGGGCCGACATGGTCCGCTTCTCAAACTTGAGCTCTCCTGAGT-3'
Protein context (NP_000874.2, residues 579-599): TMSAQIEGGV[His589Arg]GLHSYEKRLY

ClinVar aggregate classification (germline): Uncertain significance. Review status: criteria provided, multiple submitters, no conflicts (2 of 4 stars). 4 submissions from 4 submitters: Uncertain significance (3). 1 of the submissions does not count toward it. Last evaluated 2025-06-24.

Conditions:
IMPDH1-related disorder. Also called: IMPDH1-related condition; IMPDH1-related disorders.
Inborn genetic diseases. Identifiers: MedGen C0950123, MeSH D030342.

Allele frequency attached by ClinVar (database versions not stated): gnomAD exomes 0.00001; TOPMed 0.00001.
gnomAD v4.1: 16 of 1,613,942 alleles (0.00099%); highest among the groups gnomAD compares: African/African-American, 0.0013%; no homozygotes.

Submissions (4):

Ambry Genetics
Classification: Uncertain significance for Inborn genetic diseases. Last evaluated: 2025-06-24. Review status: criteria provided, single submitter. Criteria: Ambry Variant Classification Scheme 2023. Collection method: clinical testing. Allele origin: germline.

Labcorp Genetics (formerly Invitae), Labcorp
Classification: Uncertain significance. Last evaluated: 2024-09-16. Review status: criteria provided, single submitter. Criteria: Invitae Variant Classification Sherloc (09022015). Collection method: clinical testing. Allele origin: germline.
Comment: This sequence change replaces histidine, which is basic and polar, with arginine, which is basic and polar, at codon 589 of the IMPDH1 protein (p.His589Arg). This variant is present in population databases (no rsID available, gnomAD 0.0009%). This missense change has been observed in individual(s) with retinitis pigmentosa (internal data). ClinVar contains an entry for this variant (Variation ID: 857670). An algorithm developed to predict the effect of missense changes on protein structure and function (PolyPhen-2) suggests that this variant is likely to be disruptive. In summary, the available evidence is currently insufficient to determine the role of this variant in disease. Therefore, it has been classified as a Variant of Uncertain Significance.

Blueprint Genetics
Classification: Uncertain significance. Last evaluated: 2021-12-08. Review status: criteria provided, single submitter. Criteria: ACMG Guidelines, 2015. Collection method: clinical testing. Allele origin: germline.

PreventionGenetics, part of Exact Sciences
Classification: Uncertain significance for IMPDH1-related condition. Last evaluated: 2024-09-19. Review status: no assertion criteria provided. Collection method: clinical testing. Allele origin: germline. Not counted in ClinVar's aggregate classification.
Comment: The IMPDH1 c.1766A>G variant is predicted to result in the amino acid substitution p.His589Arg. To our knowledge, this variant has not been reported in the literature. This variant is reported in 0.0018% of alleles in individuals of European (Non-Finnish) descent in gnomAD. At this time, the clinical significance of this variant is uncertain due to the absence of conclusive functional and genetic evidence.